The following is an entry in ClinVar:

ClinVar aggregate classification (germline): Uncertain significance. Review status: criteria provided, single submitter (1 of 4 stars). 2 submissions from 2 submitters: Uncertain significance (1). 1 of the submissions does not count toward it. Last evaluated 2026-02-25.

Conditions:
Insulin-resistant diabetes mellitus AND acanthosis nigricans. Also called: type A insulin resistance; DIABETES MELLITUS, INSULIN-RESISTANT, WITH ACANTHOSIS NIGRICANS, TYPE A; INSULIN RECEPTOR, DEFECT IN, WITH INSULIN-RESISTANT DIABETES MELLITUS AND ACANTHOSIS NIGRICANS; IRAN, TYPE A; Insulin-resistance syndrome type A. Identifiers: Orphanet 2297, MedGen C0342278, MONDO:0012520, OMIM 610549.
Hyperinsulinism due to INSR deficiency. Also called: Hyperinsulinism due to glutamodehydrogenase deficiency. Identifiers: Orphanet 263458, MedGen C1864952, MONDO:0012381, OMIM 609968.

gnomAD v4.1: 1 of 1,613,930 alleles (0.000062%); highest among the groups gnomAD compares: Non-Finnish European, 0.000085%; no homozygotes.

Submissions (2):

Victorian Clinical Genetics Services, Murdoch Childrens Research Institute
Classification: Uncertain significance for Hyperinsulinism due to INSR deficiency. Last evaluated: 2026-02-25. Review status: criteria provided, single submitter. Criteria: ACMG Guidelines, 2015. Collection method: clinical testing. Allele origin: germline. Affected: yes.
Comment: This variant is classified as VUS-3A. Evidence in support of pathogenic classification: Variant is present in gnomAD <0.01 (v4: 1 heterozygote(s), 0 homozygote(s)); Missense variant predicted to be damaging by in silico tool(s) or highly conserved with a major amino acid change. Additional information: Variant is predicted to result in a missense amino acid change from Leu to His; This variant is heterozygous; This gene is associated with both recessive and dominant disease; Alternative amino acid change(s) at the same position are present in gnomAD (highest allele count: v4: 1 heterozygote(s), 0 homozygote(s)); This variant has no previous evidence of pathogenicity; No published evidence of segregation with disease has been identified for this variant; No published functional evidence has been identified for this variant; No comparable missense variants have previous evidence for pathogenicity; Variant is located in the annotated receptor L domain (DECIPHER); Loss of function is a known mechanism of disease in this gene and is associated with INSR-related conditions (OMIM, PMID: 29369573); Inheritance information for this variant is not currently available in this individual.

Cardiovascular Genetics Laboratory, PathWest Laboratory Medicine WA - Fiona Stanley Hospital
Classification: Uncertain significance for Insulin-resistant diabetes mellitus AND acanthosis nigricans. Last evaluated: 2023-11-21. Review status: no assertion criteria provided. Criteria: ACMG Guidelines, 2015. Collection method: clinical testing. Allele origin: germline. Affected: yes. Not counted in ClinVar's aggregate classification.

Literature cited by the submitters: PubMed 29369573 (cited by Victorian Clinical Genetics Services, Murdoch Childrens Research Institute).

NM_000208.4(INSR):c.1337T>A (p.Leu446His)

Gene: INSR (insulin receptor; minus strand). Cytogenetic location: 19p13.2.
Variant type: single nucleotide variant.
Coding change: c.1337T>A on transcript NM_000208.4 (MANE Select); coding-DNA position 1337, T replaced by A.
Protein change: p.Leu446His; replaces leucine 446 with histidine.
Molecular consequence: missense variant.
Genome position (GRCh38, 1-based): chr19:7,170,683, A>T on the plus strand (T>A on the coding strand, the complement: INSR is on the minus strand). VCF-style: chr19-7170683-A-T. GRCh37 (hg19) VCF-style: chr19-7170694-A-T.
Other names: c.1337T>A, p.Leu446His (NM_001079817.3); short protein forms L446H.
Identifiers: ClinVar variation 4856656 (VCV004856656.2).
Genomic context (GRCh38, chr19:7,170,683, plus strand): 5'-ATTTCTGACAAGCAGAGTTTGGGGTTATAGTGGAAGAAGAGTTTCCCCTGAGTGATGGTG[A>T]GGTTGTGTTTGCTCCAGTCCCAGAGCTGCCTTAGGTTCTGGTTGTCCAAGGCATAGAAGG-3'
Protein context (NP_000199.2, residues 436-456): RQLWDWSKHN[Leu446His]TITQGKLFFH